The following is an entry in ClinVar:

ClinVar aggregate classification (germline): Benign/Likely benign. Review status: criteria provided, multiple submitters, no conflicts (2 of 4 stars). 14 submissions from 14 submitters: Benign (13); Likely benign (1). Last evaluated 2026-02-02.

Conditions:
Ehlers-Danlos syndrome (EDS). Identifiers: Orphanet 98249, MedGen C0013720, MONDO:0020066.
Familial thoracic aortic aneurysm and aortic dissection (TAAD). Also called: Thoracic aortic aneurysms and dissections. Identifiers: Orphanet 91387, MedGen C4707243, MONDO:0019625.
Ehlers-Danlos syndrome, type 4 (EDSVASC). Also called: Ehlers-Danlos syndrome vascular type; Ehlers Danlos syndrome, ecchymotic type; Ehlers Danlos syndrome, arterial type; Ehlers Danlos syndrome, Sack-Barabas type; Ehlers-Danlos Syndrome Type IV. Identifiers: Orphanet 286, MedGen C0268338, MONDO:0017314, OMIM 130050.

Allele frequency attached by ClinVar (database versions not stated): ExAC 0.00584; gnomAD 0.01731 and 0.01840; TOPMed 0.01860; ESP Exome Variant Server 0.01930; 1000 Genomes Project 0.02196; 1000 Genomes Project 30x 0.02374.
gnomAD v4.1: 5,187 of 1,613,706 alleles (0.32%); highest among the groups gnomAD compares: African/African-American, 6.2%; 143 homozygotes.

Submissions (14):

Labcorp Genetics (formerly Invitae), Labcorp
Classification: Benign for Ehlers-Danlos syndrome, type 4. Last evaluated: 2026-02-02. Review status: criteria provided, single submitter. Criteria: Invitae Variant Classification Sherloc (09022015). Collection method: clinical testing. Allele origin: germline.

ARUP Laboratories, Molecular Genetics and Genomics, ARUP Laboratories
Classification: Benign. Last evaluated: 2025-06-25. Review status: criteria provided, single submitter. Criteria: ARUP Molecular Germline Variant Investigation Process 2024. Collection method: clinical testing. Allele origin: germline.

Molecular Diagnostic Laboratory for Inherited Cardiovascular Disease, Montreal Heart Institute
Classification: Benign. Last evaluated: 2025-04-09. Review status: criteria provided, single submitter. Criteria: ACMG Guidelines, 2015. Collection method: clinical testing. Allele origin: germline. Affected: no.
Comment: BA1;BP7

Blueprint Genetics
Classification: Likely benign. Last evaluated: 2024-11-08. Review status: criteria provided, single submitter. Criteria: ACMG Guidelines, 2015. Collection method: clinical testing. Allele origin: germline.

All of Us Research Program, National Institutes of Health
Classification: Benign for Ehlers-Danlos syndrome, type 4. Last evaluated: 2024-02-05. Review status: criteria provided, single submitter. Criteria: ACMG Guidelines, 2015. Collection method: clinical testing. Allele origin: germline. Inheritance: Autosomal dominant inheritance. Observed: 949 variant alleles, 922 heterozygotes, 27 homozygotes.
Comment: This study involves interpretation of variants in research participants for the purpose of population health screening. Participant phenotype was not available at the time of variant classification. Additional details can be found in publication PMID: 35346344, PMCID: PMC8962531

CHEO Genetics Diagnostic Laboratory, Children's Hospital of Eastern Ontario
Classification: Benign for Familial thoracic aortic aneurysm and aortic dissection. Last evaluated: 2022-11-17. Review status: criteria provided, single submitter. Criteria: ACMG Guidelines, 2015. Collection method: clinical testing. Allele origin: germline.

Genome Diagnostics Laboratory, The Hospital for Sick Children
Classification: Benign for Ehlers-Danlos syndrome. Last evaluated: 2022-03-15. Review status: criteria provided, single submitter. Criteria: ACMG Guidelines, 2015. Collection method: clinical testing. Allele origin: germline.

Color Diagnostics, LLC DBA Color Health
Classification: Benign for Familial thoracic aortic aneurysm and aortic dissection. Last evaluated: 2018-03-15. Review status: criteria provided, single submitter. Criteria: ACMG Guidelines, 2015. Collection method: clinical testing. Allele origin: germline.

Illumina Laboratory Services, Illumina
Classification: Benign for Ehlers-Danlos syndrome, type 4. Last evaluated: 2018-01-12. Review status: criteria provided, single submitter. Criteria: ICSL Variant Classification Criteria 13 December 2019. Collection method: clinical testing. Allele origin: germline.
Comment: This variant was observed in the ICSL laboratory as part of a predisposition screen in an ostensibly healthy population. It had not been previously curated by ICSL or reported in the Human Gene Mutation Database (HGMD: prior to June 1st, 2018), and was therefore a candidate for classification through an automated scoring system. Utilizing variant allele frequency, disease prevalence and penetrance estimates, and inheritance mode, an automated score was calculated to assess if this variant is too frequent to cause the disease. Based on the score and internal cut-off values, a variant classified as benign is not then subjected to further curation. The score for this variant resulted in a classification of benign for this disease.

Ambry Genetics
Classification: Benign for Familial thoracic aortic aneurysm and aortic dissection. Last evaluated: 2015-02-03. Review status: criteria provided, single submitter. Criteria: Ambry Variant Classification Scheme 2023. Collection method: clinical testing. Allele origin: germline.

Mayo Clinic Laboratories, Mayo Clinic
Classification: Benign. Last evaluated: 2014-04-03. Review status: criteria provided, single submitter. Criteria: ACMG Guidelines, 2015. Collection method: clinical testing. Allele origin: germline. Observed: 28 variant alleles.

GeneDx
Classification: Benign. Last evaluated: 2013-05-20. Review status: criteria provided, single submitter. Criteria: GeneDx Variant Classification (06012015). Collection method: clinical testing. Allele origin: germline. Affected: yes.
Comment: This variant is considered likely benign or benign based on one or more of the following criteria: it is a conservative change, it occurs at a poorly conserved position in the protein, it is predicted to be benign by multiple in silico algorithms, and/or has population frequency not consistent with disease.

Breakthrough Genomics
Classification: Benign. Review status: criteria provided, single submitter. Criteria: ACMG Guidelines, 2015. Collection method: not provided. Allele origin: germline. Inheritance: Autosomal recessive inheritance. Affected: yes.

PreventionGenetics, part of Exact Sciences
Classification: Benign. Review status: criteria provided, single submitter. Criteria: ACMG Guidelines, 2015. Collection method: clinical testing. Allele origin: germline.

NM_000090.4(COL3A1):c.1257C>T (p.Ala419=)

Gene: COL3A1 (collagen type III alpha 1 chain; plus strand). Cytogenetic location: 2q32.2.
Variant type: single nucleotide variant.
Coding change: c.1257C>T on transcript NM_000090.4 (MANE Select); coding-DNA position 1257, C replaced by T.
Protein change: p.Ala419=; no amino-acid change (alanine 419 retained).
Molecular consequence: synonymous variant.
Genome position (GRCh38, 1-based): chr2:188,994,296, C>T. VCF-style: chr2-188994296-C-T. GRCh37 (hg19) VCF-style: chr2-189859022-C-T.
Other names: p.A419A:GCC>GCT; p.Ala419=.
Identifiers: ClinVar variation 136843 (VCV000136843.41), dbSNP rs41272837, ClinGen allele CA004174.
Genomic context (GRCh38, chr2:188,994,296, plus strand): 5'-TCCCGCTGGCATTCCTGGAGCTCCTGGACTGATGGGAGCCCGGGGTCCTCCAGGACCAGC[C>T]GGTGCTAATGGTGCTCCTGGACTGCGAGGTGGTGCAGTAAGTTGCCTTGTTTTTTCTCTG-3'
Protein context (NP_000081.2, residues 409-429): LMGARGPPGP[Ala419=]GANGAPGLRG